The following is an entry in ClinVar:

ClinVar aggregate classification (germline): Conflicting classifications of pathogenicity. Review status: criteria provided, conflicting classifications (1 of 4 stars). 4 submissions from 4 submitters: Uncertain significance (3); Likely benign (1). Last evaluated 2026-06-16.

Conditions:
Myopathy, myofibrillar, 9, with early respiratory failure (MFM9). Also called: Myopathy, distal, with early respiratory failure, autosomal dominant; MYOPATHY, PROXIMAL, WITH EARLY RESPIRATORY MUSCLE INVOLVEMENT; Hereditary myopathy with early respiratory failure; EDSTROM MYOPATHY. Identifiers: Orphanet 178464, Orphanet 34521, MedGen C1863599, MONDO:0011362, OMIM 603689.
Hypertrophic cardiomyopathy 9. Also called: Familial hypertrophic cardiomyopathy 9. Identifiers: MedGen C1861065, MONDO:0013412, OMIM 613765.
Autosomal recessive limb-girdle muscular dystrophy type 2J (LGMDR10). Also called: MUSCULAR DYSTROPHY, LIMB-GIRDLE, AUTOSOMAL RECESSIVE 10; Limb-girdle muscular dystrophy, type 2J. Identifiers: Orphanet 140922, MedGen C1837342, MONDO:0012127, OMIM 608807.
Tibial muscular dystrophy (TMD). Also called: Tibial muscular dystrophy, tardive; UDD MYOPATHY; Udd Distal Myopathy – Tibial Muscular Dystrophy. Identifiers: Orphanet 609, MedGen C1838244, MONDO:0010870, OMIM 600334.
Dilated cardiomyopathy 1G (CMD1G). Identifiers: Orphanet 154, MedGen C1858763, MONDO:0011400, OMIM 604145.
Early-onset myopathy with fatal cardiomyopathy (CMYO5). Also called: Salih Myopathy; CONGENITAL MYOPATHY 5 WITH CARDIOMYOPATHY. Identifiers: Orphanet 289377, MedGen C2673677, MONDO:0012714, OMIM 611705. Disease mechanism: loss of function.

Allele frequency attached by ClinVar (database versions not stated): gnomAD exomes 0.00001 and below 0.00001; gnomAD 0.00002 and 0.00003; TOPMed 0.00008.
gnomAD v4.1: 11 of 1,605,078 alleles (0.00069%); highest among the groups gnomAD compares: Admixed American, 0.01%; no homozygotes.

Submissions (4):

Women's Health and Genetics/Laboratory Corporation of America, LabCorp
Classification: Uncertain significance. Last evaluated: 2026-06-16. Review status: criteria provided, single submitter. Criteria: LabCorp Variant Classification Summary - May 2015. Collection method: clinical testing. Allele origin: germline.

Fulgent Genetics
Classification: Uncertain significance for Tibial muscular dystrophy; Myopathy, myofibrillar, 9, with early respiratory failure; Dilated cardiomyopathy 1G; Autosomal recessive limb-girdle muscular dystrophy type 2J; Early-onset myopathy with fatal cardiomyopathy; Hypertrophic cardiomyopathy 9. Last evaluated: 2024-04-11. Review status: criteria provided, single submitter. Criteria: ACMG Guidelines, 2015. Collection method: clinical testing. Allele origin: germline.

Revvity Omics, Revvity
Classification: Uncertain significance. Last evaluated: 2019-10-04. Review status: criteria provided, single submitter. Criteria: ACMG Guidelines, 2015. Collection method: clinical testing. Allele origin: germline.

GeneDx
Classification: Likely benign. Last evaluated: 2017-06-14. Review status: criteria provided, single submitter. Criteria: GeneDx Variant Classification (06012015). Collection method: clinical testing. Allele origin: germline. Affected: yes.
Comment: This variant is considered likely benign or benign based on one or more of the following criteria: it is a conservative change, it occurs at a poorly conserved position in the protein, it is predicted to be benign by multiple in silico algorithms, and/or has population frequency not consistent with disease.

NM_001267550.2(TTN):c.95743G>T (p.Ala31915Ser)

Genes: TTN (titin; minus strand), TTN-AS1 (TTN antisense RNA 1; plus strand). Cytogenetic location: 2q31.2.
Variant type: single nucleotide variant.
Coding change: c.95743G>T on transcript NM_001267550.2 (MANE Select); coding-DNA position 95743, G replaced by T.
Protein change: p.Ala31915Ser; replaces alanine 31915 with serine.
Molecular consequence: missense variant.
Genome position (GRCh38, 1-based): chr2:178,544,486, C>A on the plus strand (G>T on the coding strand, the complement: TTN is on the minus strand). VCF-style: chr2-178544486-C-A. GRCh37 (hg19) VCF-style: chr2-179409213-C-A.
Other names: c.90820G>T, p.Ala30274Ser (NM_001256850.1); c.68548G>T, p.Ala22850Ser (NM_003319.4); c.88039G>T, p.Ala29347Ser (NM_133378.4); c.68923G>T, p.Ala22975Ser (NM_133432.3); c.69124G>T, p.Ala23042Ser (NM_133437.4); short protein forms A30274S, A31915S, A22975S, A22850S, A29347S, A23042S.
Identifiers: ClinVar variation 518036 (VCV000518036.6), dbSNP rs1490243211, ClinGen allele CA349458274.